The following is an entry in ClinVar:

NM_001079866.2(BCS1L):c.255_257del (p.Gln85del)

Gene: BCS1L (BCS1 ubiquinol-cytochrome c reductase complex chaperone; plus strand). Cytogenetic location: 2q35.
Variant type: Deletion.
Coding change: c.255_257del on transcript NM_001079866.2 (MANE Select); coding-DNA positions 255 to 257, 3 bases deleted (GCA; older notation c.255_257delGCA).
Protein change: p.Gln85del; deletes glutamine 85.
Molecular consequence: inframe deletion. On other transcripts: 5 prime UTR variant (5), non-coding transcript variant (1), intron variant (3).
Genome position (GRCh38, 1-based): chr2:218,661,242-218,661,244, GCA deleted; deleting any 3 consecutive bases within chr2:218,661,240-218,661,244 gives the same sequence; the c. name uses the placement nearest the transcript's 3' end. VCF-style (leftmost placement, unchanged base first): chr2-218661239-TCAG-T. GRCh37 (hg19) VCF-style: chr2-219525962-TCAG-T.
Other names: c.255_257del, p.Gln85del (NM_001257342.2, NM_001257343.2, NM_001257344.2 and 10 more transcripts); c.-222_-220del (NM_001371453.1, NM_001371454.1, NM_001371455.1 and 2 more transcripts); c.-40-164_-40-162del (NM_001371451.1, NM_001318836.2); c.-41-517_-41-515del (NM_001371452.1); c.255_257delGCA (NM_004328.4); short protein forms Q85del.
Identifiers: ClinVar variation 556141 (VCV000556141.9), dbSNP rs1553596345, ClinGen allele CA658822536.

ClinVar aggregate classification (germline): Uncertain significance. Review status: criteria provided, single submitter (1 of 4 stars). 2 submissions from 2 submitters: Uncertain significance (1). 1 of the submissions does not count toward it. Last evaluated 2022-01-14.

Conditions:
GRACILE syndrome (FLNMS). Also called: FELLMAN SYNDROME; FINNISH LETHAL NEONATAL METABOLIC SYNDROME. Identifiers: Orphanet 53693, MedGen C1864002, MONDO:0011308, OMIM 603358.

Submissions (2):

Labcorp Genetics (formerly Invitae), Labcorp
Classification: Uncertain significance. Last evaluated: 2022-01-14. Review status: criteria provided, single submitter. Criteria: Invitae Variant Classification Sherloc (09022015). Collection method: clinical testing. Allele origin: germline.
Comment: This variant is not present in population databases (gnomAD no frequency). This variant has not been reported in the literature in individuals affected with BCS1L-related conditions. ClinVar contains an entry for this variant (Variation ID: 556141). Experimental studies and prediction algorithms are not available or were not evaluated, and the functional significance of this variant is currently unknown. In summary, the available evidence is currently insufficient to determine the role of this variant in disease. Therefore, it has been classified as a Variant of Uncertain Significance. This variant, c.255_257del, results in the deletion of 1 amino acid(s) of the BCS1L protein (p.Gln85del), but otherwise preserves the integrity of the reading frame.

Counsyl
Classification: Uncertain significance for GRACILE syndrome. Last evaluated: 2018-01-15. Review status: no assertion criteria provided. Collection method: clinical testing. Allele origin: unknown. Not counted in ClinVar's aggregate classification.